The following is an entry in ClinVar:

ClinVar aggregate classification (germline): Uncertain significance (1 of 4 stars; one submission).

Submission:

GeneDx
Classification: Uncertain significance. Last evaluated: 2025-08-12. Review status: criteria provided, single submitter. Criteria: GeneDx Variant Classification Process June 2021. Collection method: clinical testing. Allele origin: germline. Affected: yes.
Comment: Not observed at significant frequency in large population cohorts (gnomAD); In silico analysis supports that this missense variant has a deleterious effect on protein structure/function; Has not been previously published as pathogenic or benign to our knowledge

NM_001349798.2(FBXW7):c.1183G>C (p.Val395Leu)

Gene: FBXW7 (F-box and WD repeat domain containing 7; minus strand). Cytogenetic location: 4q31.3.
Variant type: single nucleotide variant.
Coding change: c.1183G>C on transcript NM_001349798.2 (MANE Select); coding-DNA position 1183, G replaced by C.
Protein change: p.Val395Leu; replaces valine 395 with leucine.
Molecular consequence: missense variant.
Genome position (GRCh38, 1-based): chr4:152,329,725, C>G on the plus strand (G>C on the coding strand, the complement: FBXW7 is on the minus strand). VCF-style: chr4-152329725-C-G. GRCh37 (hg19) VCF-style: chr4-153250877-C-G.
Other names: c.829G>C, p.Val277Leu (NM_001013415.2); c.943G>C, p.Val315Leu (NM_018315.5); c.1183G>C, p.Val395Leu (NM_033632.3); short protein forms V395L, V315L, V277L.
Identifiers: ClinVar variation 4795767 (VCV004795767.1).